The following is an entry in ClinVar:

NM_000548.5(TSC2):c.1643G>A (p.Arg548Lys)

Gene: TSC2 (TSC complex subunit 2; plus strand). Cytogenetic location: 16p13.3.
Variant type: single nucleotide variant.
Coding change: c.1643G>A on transcript NM_000548.5 (MANE Select); coding-DNA position 1643, G replaced by A.
Protein change: p.Arg548Lys; replaces arginine 548 with lysine.
Molecular consequence: missense variant. On other transcripts: non-coding transcript variant (5).
Genome position (GRCh38, 1-based): chr16:2,065,562, G>A. VCF-style: chr16-2065562-G-A. GRCh37 (hg19) VCF-style: chr16-2115563-G-A.
Other names: c.1643G>A, p.Arg548Lys (NM_001077183.3, NM_001114382.3, NM_001363528.2 and 6 more transcripts); c.1532G>A, p.Arg511Lys (NM_001318827.2, NM_001406670.1, NM_001406678.1); c.1496G>A, p.Arg499Lys (NM_001318829.2, NM_001406675.1, NM_001406676.1 and 1 more transcripts); c.1043G>A, p.Arg348Lys (NM_001318831.2, NM_001406680.1, NM_001406682.1 and 6 more transcripts); c.1676G>A, p.Arg559Lys (NM_001318832.2); c.1181G>A, p.Arg394Lys (NM_001406681.1); c.1733G>A, p.Arg578Lys (NM_001406667.1, NM_001406668.1); c.1631G>A, p.Arg544Lys (NM_001406671.1, NM_001406673.1); and 3 more; short protein forms R100K, R14K, R348K, R394K, R499K, R511K, R529K, R544K.
Identifiers: ClinVar variation 3071333 (VCV003071333.2), dbSNP rs748938385, ClinGen allele CA031935.
Genomic context (GRCh38, chr16:2,065,562, plus strand): 5'-TGGCCTTCTCTTCAAAGGTGATGGCCCGCTCCCTCTCCCCACCCCCGGAGCTGGAAGAAA[G>A]GGATGTGGCCGCATACTCGGCCTCCTTGGAGGATGTGAAGACAGCCGTCCTGGGGCTTCT-3'
Protein context (NP_000539.2, residues 538-558): SLSPPPELEE[Arg548Lys]DVAAYSASLE

ClinVar aggregate classification (germline): Uncertain significance. Review status: criteria provided, multiple submitters, no conflicts (2 of 4 stars). 2 submissions from 2 submitters: Uncertain significance (2). Last evaluated 2025-04-28.

Conditions:
Hereditary cancer-predisposing syndrome. Also called: Hereditary neoplastic syndrome; Neoplastic Syndromes, Hereditary; Tumor predisposition; Hereditary Cancer Syndrome. Identifiers: Orphanet 140162, MedGen C0027672, MeSH D009386, MONDO:0015356.
Tuberous sclerosis syndrome (TSC). Also called: Tuberous Sclerosis Complex; Tuberous sclerosis. Identifiers: Orphanet 805, MedGen C0041341, MONDO:0001734.

Allele frequency attached by ClinVar (database versions not stated): ExAC 0.00001.

Submissions (2):

Ambry Genetics
Classification: Uncertain significance for Hereditary cancer-predisposing syndrome. Last evaluated: 2025-04-28. Review status: criteria provided, single submitter. Criteria: Ambry Variant Classification Scheme 2023. Collection method: clinical testing. Allele origin: germline.
Comment: The p.R548K variant (also known as c.1643G>A), located in coding exon 15 of the TSC2 gene, results from a G to A substitution at nucleotide position 1643. The arginine at codon 548 is replaced by lysine, an amino acid with highly similar properties. This amino acid position is conserved. In addition, the in silico prediction for this alteration is inconclusive. Based on the available evidence, the clinical significance of this variant remains unclear.

All of Us Research Program, National Institutes of Health
Classification: Uncertain significance for Tuberous sclerosis syndrome. Last evaluated: 2023-05-31. Review status: criteria provided, single submitter. Criteria: ACMG Guidelines, 2015. Collection method: clinical testing. Allele origin: germline. Inheritance: Autosomal dominant inheritance. Observed: 1 variant allele, 1 heterozygote.
Comment: This study involves interpretation of variants in research participants for the purpose of population health screening. Participant phenotype was not available at the time of variant classification. Additional details can be found in publication PMID: 35346344, PMCID: PMC8962531